The following is an entry in ClinVar:

ClinVar aggregate classification (germline): Uncertain significance (1 of 4 stars; one submission).

gnomAD v4.1: 1 of 1,614,070 alleles (0.000062%); highest among the groups gnomAD compares: Non-Finnish European, 0.000085%; no homozygotes.

Submission:

Mayo Clinic Laboratories, Mayo Clinic
Classification: Uncertain significance. Last evaluated: 2023-11-06. Review status: criteria provided, single submitter. Criteria: ACMG Guidelines, 2015. Collection method: clinical testing. Allele origin: germline. Observed: 2 variant alleles.
Comment: PM2_moderate

NM_138477.4(CDAN1):c.3245C>A (p.Ser1082Tyr)

Gene: CDAN1 (codanin 1; minus strand). Cytogenetic location: 15q15.2.
Variant type: single nucleotide variant.
Coding change: c.3245C>A on transcript NM_138477.4 (MANE Select); coding-DNA position 3245, C replaced by A.
Protein change: p.Ser1082Tyr; replaces serine 1082 with tyrosine.
Molecular consequence: missense variant.
Genome position (GRCh38, 1-based): chr15:42,726,120, G>T on the plus strand (C>A on the coding strand, the complement: CDAN1 is on the minus strand). VCF-style: chr15-42726120-G-T. GRCh37 (hg19) VCF-style: chr15-43018318-G-T.
Other names: p.Ser1082Tyr; short protein forms S1082Y.
Identifiers: ClinVar variation 3380261 (VCV003380261.1).